The following is an entry in ClinVar:

NM_020778.5(ALPK3):c.2600T>A (p.Met867Lys)

Gene: ALPK3 (alpha kinase 3; plus strand). Cytogenetic location: 15q25.3.
Variant type: single nucleotide variant.
Coding change: c.2600T>A on transcript NM_020778.5 (MANE Select); coding-DNA position 2600, T replaced by A.
Protein change: p.Met867Lys; replaces methionine 867 with lysine.
Molecular consequence: missense variant.
Genome position (GRCh38, 1-based): chr15:84,857,338, T>A. VCF-style: chr15-84857338-T-A. GRCh37 (hg19) VCF-style: chr15-85400569-T-A.
Other names: short protein forms M867K.
Identifiers: ClinVar variation 977173 (VCV000977173.6), dbSNP rs376587216, ClinGen allele CA7709456.

ClinVar aggregate classification (germline): Uncertain significance. Review status: criteria provided, multiple submitters, no conflicts (2 of 4 stars). 3 submissions from 3 submitters: Uncertain significance (2). 1 of the submissions does not count toward it. Last evaluated 2025-09-01.

Conditions:
Left ventricular noncompaction cardiomyopathy. Also called: left ventricular non-compaction cardiomyopathy. Identifiers: MedGen C4021133, HP:0011664.
Cardiovascular phenotype. Identifiers: MedGen CN230736.

Allele frequency attached by ClinVar (database versions not stated): gnomAD exomes 0.00001; ExAC 0.00001; TOPMed 0.00002; ESP Exome Variant Server 0.00008.
gnomAD v4.1: 9 of 1,614,158 alleles (0.00056%); highest among the groups gnomAD compares: Non-Finnish European, 0.00076%; no homozygotes.

Submissions (3):

Labcorp Genetics (formerly Invitae), Labcorp
Classification: Uncertain significance. Last evaluated: 2025-09-01. Review status: criteria provided, single submitter. Criteria: Invitae Variant Classification Sherloc (09022015). Collection method: clinical testing. Allele origin: germline.
Comment: This sequence change replaces methionine, which is neutral and non-polar, with lysine, which is basic and polar, at codon 1069 of the ALPK3 protein (p.Met1069Lys). This variant is present in population databases (rs376587216, gnomAD 0.002%). This variant has not been reported in the literature in individuals affected with ALPK3-related conditions. ClinVar contains an entry for this variant (Variation ID: 977173). Invitae Evidence Modeling of protein sequence and biophysical properties (such as structural, functional, and spatial information, amino acid conservation, physicochemical variation, residue mobility, and thermodynamic stability) indicates that this missense variant is not expected to disrupt ALPK3 protein function with a negative predictive value of 80%. In summary, the available evidence is currently insufficient to determine the role of this variant in disease. Therefore, it has been classified as a Variant of Uncertain Significance.

Ambry Genetics
Classification: Uncertain significance for Cardiovascular phenotype. Last evaluated: 2025-01-31. Review status: criteria provided, single submitter. Criteria: Ambry Variant Classification Scheme 2023. Collection method: clinical testing. Allele origin: germline.
Comment: The p.M1069K variant (also known as c.3206T>A), located in coding exon 6 of the ALPK3 gene, results from a T to A substitution at nucleotide position 3206. The methionine at codon 1069 is replaced by lysine, an amino acid with similar properties. This amino acid position is conserved. In addition, this alteration is predicted to be tolerated by in silico analysis. Since supporting evidence is limited at this time, the clinical significance of this alteration remains unclear.

Agnes Ginges Centre for Molecular Cardiology, Centenary Institute
Classification: Uncertain significance for Left ventricular noncompaction cardiomyopathy. Last evaluated: 2019-05-07. Review status: no assertion criteria provided. Collection method: research. Allele origin: germline. Inheritance: Autosomal dominant inheritance. Affected: yes. Not counted in ClinVar's aggregate classification.
Comment: This variant has been identified as part of our research program. For further information please feel free to contact us.